The following is an entry in ClinVar:

NM_001927.4(DES):c.1038G>A (p.Met346Ile)

Gene: DES (desmin; plus strand). Cytogenetic location: 2q35.
Variant type: single nucleotide variant.
Coding change: c.1038G>A on transcript NM_001927.4 (MANE Select); coding-DNA position 1038, G replaced by A.
Protein change: p.Met346Ile; replaces methionine 346 with isoleucine.
Molecular consequence: missense variant.
Genome position (GRCh38, 1-based): chr2:219,421,354, G>A. VCF-style: chr2-219421354-G-A. GRCh37 (hg19) VCF-style: chr2-220286076-G-A.
Other names: c.1038G>A (LRG_380t1); short protein forms M346I.
Identifiers: ClinVar variation 239072 (VCV000239072.14), dbSNP rs778340812, ClinGen allele CA2125228.

ClinVar aggregate classification (germline): Uncertain significance. Review status: criteria provided, multiple submitters, no conflicts (2 of 4 stars). 4 submissions from 4 submitters: Uncertain significance (4). Last evaluated 2025-10-23.

Conditions:
Cardiovascular phenotype. Identifiers: MedGen CN230736.
Desmin-related myofibrillar myopathy (MFM1). Also called: Myofibrillar myopathy 1; Desminopathy; Desmin related myopathy (former name); Desmin storage myopathy (former name); MYOFIBRILLAR MYOPATHY WITH ARRHYTHMOGENIC RIGHT VENTRICULAR CARDIOMYOPATHY; DESMIN-RELATED MYOPATHY WITH ARRHYTHMOGENIC RIGHT VENTRICULAR CARDIOMYOPATHY. Identifiers: Orphanet 363543, Orphanet 98909, MedGen C1832370, MONDO:0011076, OMIM 601419.
Dilated cardiomyopathy 1I (CMD1I). Identifiers: Orphanet 154, MedGen C1858154, MONDO:0011482, OMIM 604765.
Neurogenic scapuloperoneal syndrome, Kaeser type (SCPNK). Also called: KAESER SYNDROME. Identifiers: Orphanet 85146, MedGen C1867005, MONDO:0008407, OMIM 181400.

Allele frequency attached by ClinVar (database versions not stated): ExAC 0.00001; gnomAD 0.00001; gnomAD exomes 0.00001 and 0.00002; TOPMed 0.00002.
gnomAD v4.1: 31 of 1,613,984 alleles (0.0019%); highest among the groups gnomAD compares: Non-Finnish European, 0.0026%; no homozygotes.

Submissions (4):

Labcorp Genetics (formerly Invitae), Labcorp
Classification: Uncertain significance for Desmin-related myofibrillar myopathy. Last evaluated: 2025-10-23. Review status: criteria provided, single submitter. Criteria: Invitae Variant Classification Sherloc (09022015). Collection method: clinical testing. Allele origin: germline.
Comment: This sequence change replaces methionine, which is neutral and non-polar, with isoleucine, which is neutral and non-polar, at codon 346 of the DES protein (p.Met346Ile). This variant is present in population databases (rs778340812, gnomAD 0.003%). This missense change has been observed in individual(s) with dilated cardiomyopathy (internal data). ClinVar contains an entry for this variant (Variation ID: 239072). Invitae Evidence Modeling of protein sequence and biophysical properties (such as structural, functional, and spatial information, amino acid conservation, physicochemical variation, residue mobility, and thermodynamic stability) has been performed for this missense variant. However, the output from this modeling did not meet the statistical confidence thresholds required to predict the impact of this variant on DES protein function. In summary, the available evidence is currently insufficient to determine the role of this variant in disease. Therefore, it has been classified as a Variant of Uncertain Significance.

GeneDx
Classification: Uncertain significance. Last evaluated: 2024-01-19. Review status: criteria provided, single submitter. Criteria: GeneDx Variant Classification Process June 2021. Collection method: clinical testing. Allele origin: germline. Affected: yes.
Comment: Not observed at significant frequency in large population cohorts (gnomAD); In silico analysis supports that this missense variant does not alter protein structure/function; Has not been previously published as pathogenic or benign to our knowledge; This variant is associated with the following publications: (PMID: 26807690)

Ambry Genetics
Classification: Uncertain significance for Cardiovascular phenotype. Last evaluated: 2023-03-27. Review status: criteria provided, single submitter. Criteria: Ambry Variant Classification Scheme 2023. Collection method: clinical testing. Allele origin: germline.
Comment: The p.M346I variant (also known as c.1038G>A), located in coding exon 6 of the DES gene, results from a G to A substitution at nucleotide position 1038. The methionine at codon 346 is replaced by isoleucine, an amino acid with highly similar properties. This amino acid position is well conserved in available vertebrate species. In addition, the in silico prediction for this alteration is inconclusive. Since supporting evidence is limited at this time, the clinical significance of this alteration remains unclear.

Fulgent Genetics
Classification: Uncertain significance for Neurogenic scapuloperoneal syndrome, Kaeser type; Desmin-related myofibrillar myopathy; Dilated cardiomyopathy 1I. Last evaluated: 2021-08-10. Review status: criteria provided, single submitter. Criteria: ACMG Guidelines, 2015. Collection method: clinical testing. Allele origin: unknown.